The following is an entry in ClinVar:

NM_000551.4(VHL):c.213C>T (p.Pro71=)

Gene: VHL (von Hippel-Lindau tumor suppressor; plus strand). Cytogenetic location: 3p25.3.
Variant type: single nucleotide variant.
Coding change: c.213C>T on transcript NM_000551.4 (MANE Select); coding-DNA position 213, C replaced by T.
Protein change: p.Pro71=; no amino-acid change (proline 71 retained).
Molecular consequence: synonymous variant.
Genome position (GRCh38, 1-based): chr3:10,142,060, C>T. VCF-style: chr3-10142060-C-T. GRCh37 (hg19) VCF-style: chr3-10183744-C-T.
Other names: c.213C>T, p.Pro71= (NM_001354723.2, NM_198156.3).
Identifiers: ClinVar variation 215766 (VCV000215766.24), dbSNP rs201663073, ClinGen allele CA039814.

ClinVar aggregate classification (germline): Benign/Likely benign. Review status: criteria provided, multiple submitters, no conflicts (2 of 4 stars). 8 submissions from 8 submitters: Benign (3); Likely benign (4). 1 of the submissions does not count toward it. Last evaluated 2026-01-31.

Conditions:
VHL-related disorder. Also called: VHL-related condition.
Chuvash polycythemia. Also called: POLYCYTHEMIA, VHL-DEPENDENT. Identifiers: Orphanet 238557, MedGen C1837915, MONDO:0009892, OMIM 263400.
Von Hippel-Lindau syndrome (VHLS). Also called: Von Hippel-Lindau; VHL syndrome; von Hippel–Lindau syndrome. Identifiers: Orphanet 892, MedGen C0019562, MONDO:0008667, OMIM 193300. Disease mechanism: loss of function.
Hereditary cancer-predisposing syndrome. Also called: Neoplastic Syndromes, Hereditary; Tumor predisposition; Hereditary Cancer Syndrome; Hereditary neoplastic syndrome. Identifiers: Orphanet 140162, MedGen C0027672, MeSH D009386, MONDO:0015356.

Allele frequency attached by ClinVar (database versions not stated): gnomAD 0.00004 and 0.00007; TOPMed 0.00006; gnomAD exomes 0.00023; ExAC 0.00038; 1000 Genomes Project 30x 0.00062; 1000 Genomes Project 0.00080.
gnomAD v4.1: 111 of 1,607,260 alleles (0.0069%); highest among the groups gnomAD compares: South Asian, 0.088%; 2 homozygotes.

Submissions (8):

Labcorp Genetics (formerly Invitae), Labcorp
Classification: Likely benign for Von Hippel-Lindau syndrome; Chuvash polycythemia. Last evaluated: 2026-01-31. Review status: criteria provided, single submitter. Criteria: Invitae Variant Classification Sherloc (09022015). Collection method: clinical testing. Allele origin: germline.

Myriad Genetics, Inc.
Classification: Benign for Von Hippel-Lindau syndrome. Last evaluated: 2025-06-10. Review status: criteria provided, single submitter. Criteria: Myriad Autosomal Dominant, Autosomal Recessive and X-Linked Classification Criteria (2023). Collection method: clinical testing. Allele origin: unknown.
Comment: This variant is considered benign. This variant is a silent/synonymous amino acid change and it is not expected to impact splicing.

Center for Genomic Medicine, Rigshospitalet, Copenhagen University Hospital
Classification: Benign. Last evaluated: 2025-03-04. Review status: criteria provided, single submitter. Criteria: ACMG Guidelines, 2015. Collection method: clinical testing. Allele origin: germline.
Comment: Classification criteria: BA1

Blueprint Genetics
Classification: Likely benign. Last evaluated: 2023-08-08. Review status: criteria provided, single submitter. Criteria: ACMG Guidelines, 2015. Collection method: clinical testing. Allele origin: germline.

Color Diagnostics, LLC DBA Color Health
Classification: Likely benign for Von Hippel-Lindau syndrome. Last evaluated: 2022-11-06. Review status: criteria provided, single submitter. Criteria: ACMG Guidelines, 2015. Collection method: clinical testing. Allele origin: germline.

GeneDx
Classification: Likely benign. Last evaluated: 2020-11-16. Review status: criteria provided, single submitter. Criteria: GeneDx Variant Classification Process June 2021. Collection method: clinical testing. Allele origin: germline. Affected: yes.
Comment: This variant is associated with the following publications: (PMID: 24727139)

Ambry Genetics
Classification: Benign for Hereditary cancer-predisposing syndrome. Last evaluated: 2016-02-15. Review status: criteria provided, single submitter. Criteria: Ambry Variant Classification Scheme 2023. Collection method: clinical testing. Allele origin: germline.

PreventionGenetics, part of Exact Sciences
Classification: Likely benign for VHL-related condition. Last evaluated: 2022-01-21. Review status: no assertion criteria provided. Collection method: clinical testing. Allele origin: germline. Not counted in ClinVar's aggregate classification.
Comment: This variant is classified as likely benign based on ACMG/AMP sequence variant interpretation guidelines (Richards et al. 2015 PMID: 25741868, with internal and published modifications).